The following is an entry in ClinVar:

NM_004795.4(KL):c.2022T>G (p.Phe674Leu)

Gene: KL (klotho; plus strand). Cytogenetic location: 13q13.1.
Variant type: single nucleotide variant.
Coding change: c.2022T>G on transcript NM_004795.4 (MANE Select); coding-DNA position 2022, T replaced by G.
Protein change: p.Phe674Leu; replaces phenylalanine 674 with leucine.
Molecular consequence: missense variant.
Genome position (GRCh38, 1-based): chr13:33,061,101, T>G. VCF-style: chr13-33061101-T-G. GRCh37 (hg19) VCF-style: chr13-33635238-T-G.
Other names: short protein forms F674L.
Identifiers: ClinVar variation 3695925 (VCV003695925.2).
Genomic context (GRCh38, chr13:33,061,101, plus strand): 5'-GGGCGCCTGGGAGAACCCCTACACTGCCCTGGCCTTTGCAGAGTATGCCCGACTGTGCTT[T>G]CAAGAGCTCGGCCATCACGTCAAGCTTTGGATAACGATGAATGAGCCGTATACAAGGAAT-3'
Protein context (NP_004786.2, residues 664-684): LAFAEYARLC[Phe674Leu]QELGHHVKLW

ClinVar aggregate classification (germline): Uncertain significance (1 of 4 stars; one submission).

gnomAD v4.1: 20 of 1,613,918 alleles (0.0012%); highest among the groups gnomAD compares: Non-Finnish European, 0.0014%; no homozygotes.

Submission:

Labcorp Genetics (formerly Invitae), Labcorp
Classification: Uncertain significance. Last evaluated: 2024-08-12. Review status: criteria provided, single submitter. Criteria: Invitae Variant Classification Sherloc (09022015). Collection method: clinical testing. Allele origin: germline.
Comment: This sequence change replaces phenylalanine, which is neutral and non-polar, with leucine, which is neutral and non-polar, at codon 674 of the KL protein (p.Phe674Leu). This variant is present in population databases (rs766088210, gnomAD 0.007%). This variant has not been reported in the literature in individuals affected with KL-related conditions. Advanced modeling of protein sequence and biophysical properties (such as structural, functional, and spatial information, amino acid conservation, physicochemical variation, residue mobility, and thermodynamic stability) performed at Invitae indicates that this missense variant is expected to disrupt KL protein function with a positive predictive value of 80%. In summary, the available evidence is currently insufficient to determine the role of this variant in disease. Therefore, it has been classified as a Variant of Uncertain Significance.